The following is an entry in ClinVar:

NM_001394062.1(MACF1):c.20288T>G (p.Phe6763Cys)

Gene: MACF1 (microtubule actin crosslinking factor 1; plus strand). Cytogenetic location: 1p34.3.
Variant type: single nucleotide variant.
Coding change: c.20288T>G on transcript NM_001394062.1 (MANE Select); coding-DNA position 20288, T replaced by G.
Protein change: p.Phe6763Cys; replaces phenylalanine 6763 with cysteine.
Molecular consequence: missense variant.
Genome position (GRCh38, 1-based): chr1:39,451,081, T>G. VCF-style: chr1-39451081-T-G. GRCh37 (hg19) VCF-style: chr1-39916753-T-G.
Other names: c.8366T>G, p.Phe2789Cys (NM_001397473.1); c.14111T>G, p.Phe4704Cys (NM_012090.5); short protein forms F2789C, F4704C, F6763C.
Identifiers: ClinVar variation 4813443 (VCV004813443.1).

ClinVar aggregate classification (germline): Likely pathogenic (1 of 4 stars; one submission).

Conditions:
Lissencephaly 9 with complex brainstem malformation. Identifiers: Orphanet 572013, MedGen C5193029, MONDO:0032677, OMIM 618325.

Submission:

MVZ Praenatalmedizin und Genetik Nuernberg
Classification: Likely pathogenic for Lissencephaly 9 with complex brainstem malformation. Last evaluated: 2024-12-30. Review status: criteria provided, single submitter. Criteria: ACMG Guidelines, 2015. Collection method: clinical testing. Allele origin: de novo. Affected: yes.
Comment: The variant leads to a substitution p.(Phe6763Cys) at a highly conserved amino acid position and has not yet been described in ClinVar. A literature search did not yield any additional information. Computer-based predictions (in silico) conducted for this purpose have resulted in a pathogenic assessment of the variant. However, no functional analyses are available to date. In summary, based on the current data and with consideration of the fetal phenotype, we assess this variant as likely-pathogenic.